The following is an entry in ClinVar:

ClinVar aggregate classification (germline): Uncertain significance (1 of 4 stars; one submission).

Conditions:
Pierson syndrome. Also called: MICROCORIA-CONGENITAL NEPHROTIC SYNDROME. Identifiers: Orphanet 2670, MedGen C1836876, MONDO:0012184, OMIM 609049.
LAMB2-related infantile-onset nephrotic syndrome. Also called: Nephrotic Syndrome, type 5; NEPHROTIC SYNDROME, TYPE 5, WITHOUT OCULAR ABNORMALITIES; NEPHROTIC SYNDROME, TYPE 5, WITH OCULAR ABNORMALITIES. Identifiers: Orphanet 306507, MedGen C3280113, MONDO:0013621, OMIM 614199.

Allele frequency attached by ClinVar (database versions not stated): TOPMed 0.00001; ExAC 0.00002; gnomAD exomes 0.00002; gnomAD 0.00003.
gnomAD v4.1: 29 of 1,613,362 alleles (0.0018%); highest among the groups gnomAD compares: Middle Eastern, 0.016%; no homozygotes.

Submission:

Labcorp Genetics (formerly Invitae), Labcorp
Classification: Uncertain significance for LAMB2-related infantile-onset nephrotic syndrome; Pierson syndrome. Last evaluated: 2022-07-11. Review status: criteria provided, single submitter. Criteria: Invitae Variant Classification Sherloc (09022015). Collection method: clinical testing. Allele origin: germline.
Comment: This sequence change replaces arginine, which is basic and polar, with cysteine, which is neutral and slightly polar, at codon 1582 of the LAMB2 protein (p.Arg1582Cys). This variant is present in population databases (rs772903031, gnomAD 0.01%). This variant has not been reported in the literature in individuals affected with LAMB2-related conditions. Algorithms developed to predict the effect of missense changes on protein structure and function (SIFT, PolyPhen-2, Align-GVGD) all suggest that this variant is likely to be disruptive. In summary, the available evidence is currently insufficient to determine the role of this variant in disease. Therefore, it has been classified as a Variant of Uncertain Significance.

NM_002292.4(LAMB2):c.4744C>T (p.Arg1582Cys)

Gene: LAMB2 (laminin subunit beta 2; minus strand). Cytogenetic location: 3p21.31.
Variant type: single nucleotide variant.
Coding change: c.4744C>T on transcript NM_002292.4 (MANE Select); coding-DNA position 4744, C replaced by T.
Protein change: p.Arg1582Cys; replaces arginine 1582 with cysteine.
Molecular consequence: missense variant.
Genome position (GRCh38, 1-based): chr3:49,122,200, G>A on the plus strand (C>T on the coding strand, the complement: LAMB2 is on the minus strand). VCF-style: chr3-49122200-G-A. GRCh37 (hg19) VCF-style: chr3-49159633-G-A.
Other names: short protein forms R1582C.
Identifiers: ClinVar variation 2078197 (VCV002078197.1), dbSNP rs772903031, ClinGen allele CA2393719.
Genomic context (GRCh38, chr3:49,122,200, plus strand): 5'-AGGGGCCAGGGATGGGGTCAGACCTTGCCCGCCGTGCATCCTGCAGTAGCTGCTCGGCAC[G>A]ACGCACATCTCCTACAGTACGTGCCAGGATCGCATCCACATCTGCCAGGCTCCGGACTCG-3'
Protein context (NP_002283.3, residues 1572-1592): ILARTVGDVR[Arg1582Cys]AEQLLQDARR